The following is an entry in ClinVar:

ClinVar aggregate classification (germline): Benign/Likely benign. Review status: criteria provided, multiple submitters, no conflicts (2 of 4 stars). 4 submissions from 4 submitters: Benign (1); Likely benign (3). Last evaluated 2026-08-03.

Conditions:
PLS3-related disorder. Also called: PLS3-related condition.

Allele frequency attached by ClinVar (database versions not stated): gnomAD exomes 0.00005 and 0.00009; ExAC 0.00015; ESP Exome Variant Server 0.00028; gnomAD 0.00029 and 0.00030; TOPMed 0.00033; 1000 Genomes Project 30x 0.00083; 1000 Genomes Project 0.00106.
gnomAD v4.1: 92 of 1,186,780 alleles (0.0078%); highest among the groups gnomAD compares: African/African-American, 0.13%; 1 homozygote.

Submissions (4):

PreventionGenetics, part of Exact Sciences
Classification: Likely benign for PLS3-related condition. Last evaluated: 2026-08-03. Review status: criteria provided, single submitter. Criteria: ACMG Guidelines, 2015. Collection method: clinical testing. Allele origin: germline.
Comment: This variant is classified as likely benign based on ACMG/AMP sequence variant interpretation guidelines (Richards et al. 2015 PMID: 25741868, with internal and published modifications).

Labcorp Genetics (formerly Invitae), Labcorp
Classification: Benign. Last evaluated: 2025-07-11. Review status: criteria provided, single submitter. Criteria: Invitae Variant Classification Sherloc (09022015). Collection method: clinical testing. Allele origin: germline.

Blueprint Genetics
Classification: Likely benign. Last evaluated: 2023-12-22. Review status: criteria provided, single submitter. Criteria: ACMG Guidelines, 2015. Collection method: clinical testing. Allele origin: germline.

CeGaT Center for Human Genetics Tuebingen
Classification: Likely benign. Last evaluated: 2022-07-01. Review status: criteria provided, single submitter. Criteria: CeGaT Center For Human Genetics Tuebingen Variant Classification Criteria Version 2. Collection method: clinical testing. Allele origin: germline. Affected: yes. Observed: 1 variant allele.
Comment: PLS3: BP4, BP7

NM_005032.7(PLS3):c.1050A>G (p.Arg350=)

Gene: PLS3 (plastin 3; plus strand). Cytogenetic location: Xq23.
Variant type: single nucleotide variant.
Coding change: c.1050A>G on transcript NM_005032.7 (MANE Select); coding-DNA position 1050, A replaced by G.
Protein change: p.Arg350=; no amino-acid change (arginine 350 retained).
Molecular consequence: synonymous variant.
Genome position (GRCh38, 1-based): chrX:115,643,375, A>G. VCF-style: chrX-115643375-A-G. GRCh37 (hg19) VCF-style: chrX-114877687-A-G.
Other names: c.1050A>G (NM_005032.6); c.1050A>G, p.Arg350= (NM_001136025.5); c.969A>G, p.Arg323= (NM_001172335.3); c.1011A>G, p.Arg337= (NM_001282337.2); c.915A>G, p.Arg305= (NM_001282338.2).
Identifiers: ClinVar variation 1592060 (VCV001592060.34), dbSNP rs113204501, ClinGen allele CA10496999.
Genomic context (GRCh38, chrX:115,643,375, plus strand): 5'-AACAGATGATTTGAAGAGAGCTGAGAGTATGCTTCAACAAGCAGATAAATTAGGTTGCAG[A>G]CAGTTTGTTACCCCTGCTGATGTTGTCAGTGGAAACCCCAAACTCAACTTAGCTTTCGTG-3'
Protein context (NP_005023.2, residues 340-360): MLQQADKLGC[Arg350=]QFVTPADVVS